The following is an entry in ClinVar:

NM_004006.3(DMD):c.8857G>A (p.Ala2953Thr)

Gene: DMD (dystrophin; minus strand). Cytogenetic location: Xp21.2.
Variant type: single nucleotide variant.
Coding change: c.8857G>A on transcript NM_004006.3 (MANE Select); coding-DNA position 8857, G replaced by A.
Protein change: p.Ala2953Thr; replaces alanine 2953 with threonine.
Molecular consequence: missense variant.
Genome position (GRCh38, 1-based): chrX:31,478,186, C>T on the plus strand (G>A on the coding strand, the complement: DMD is on the minus strand). VCF-style: chrX-31478186-C-T. GRCh37 (hg19) VCF-style: chrX-31496303-C-T.
Other names: c.8833G>A, p.Ala2945Thr (NM_000109.4); c.8845G>A, p.Ala2949Thr (NM_004009.3); c.8488G>A, p.Ala2830Thr (NM_004010.3); c.4834G>A, p.Ala1612Thr (NM_004011.4); c.4825G>A, p.Ala1609Thr (NM_004012.4); c.1477G>A, p.Ala493Thr (NM_004013.3, NM_004020.4, NM_004021.3 and 2 more transcripts); c.670G>A, p.Ala224Thr (NM_004014.3); short protein forms A224T, A2830T, A2945T, A2949T, A493T, A1609T, A1612T, A2953T.
Identifiers: ClinVar variation 4781332 (VCV004781332.1).

ClinVar aggregate classification (germline): Uncertain significance (1 of 4 stars; one submission).

Conditions:
Duchenne muscular dystrophy (DMD). Also called: MUSCULAR DYSTROPHY, PSEUDOHYPERTROPHIC PROGRESSIVE, DUCHENNE TYPE; Duchenne Muscular Dystrophy (DMD). Identifiers: Orphanet 98896, MedGen C0013264, MONDO:0010679, OMIM 310200.

Submission:

Labcorp Genetics (formerly Invitae), Labcorp
Classification: Uncertain significance for Duchenne muscular dystrophy. Last evaluated: 2025-08-10. Review status: criteria provided, single submitter. Criteria: Invitae Variant Classification Sherloc (09022015). Collection method: clinical testing. Allele origin: germline.
Comment: This sequence change replaces alanine, which is neutral and non-polar, with threonine, which is neutral and polar, at codon 2953 of the DMD protein (p.Ala2953Thr). This variant is not present in population databases (gnomAD no frequency). This variant has not been reported in the literature in individuals affected with DMD-related conditions. Invitae Evidence Modeling of protein sequence and biophysical properties (such as structural, functional, and spatial information, amino acid conservation, physicochemical variation, residue mobility, and thermodynamic stability) indicates that this missense variant is not expected to disrupt DMD protein function with a negative predictive value of 95%. In summary, the available evidence is currently insufficient to determine the role of this variant in disease. Therefore, it has been classified as a Variant of Uncertain Significance.